The following continues an entry in ClinVar:

NM_007294.4(BRCA1):c.2733A>G (p.Gly911=)

Gene: BRCA1. ClinVar aggregate classification (germline): Likely benign. Likely benign (1).

Submissions 24 to 28 of 28:

Sharing Clinical Reports Project (SCRP)
Classification: Benign for Breast-ovarian cancer, familial 1. Last evaluated: 2011-03-02. Review status: no assertion criteria provided. Collection method: clinical testing. Allele origin: germline. Not counted in ClinVar's aggregate classification.

Breast Cancer Information Core (BIC) (BRCA1)
Classification: Uncertain significance for Breast-ovarian cancer, familial 1. Last evaluated: 2010-12-17. Review status: no assertion criteria provided. Collection method: clinical testing. Allele origin: germline. Affected: yes. Observed: 1 variant allele. Not counted in ClinVar's aggregate classification.

Clinical Genetics Laboratory, Department of Pathology, Netherlands Cancer Institute
Classification: Likely benign. Review status: no assertion criteria provided. Collection method: clinical testing. Allele origin: germline. Affected: yes. Study: VKGL Data-share Consensus. Not counted in ClinVar's aggregate classification.

Department of Pathology and Laboratory Medicine, Sinai Health System
Classification: Benign for Breast-ovarian cancer, familial, susceptibility to, 1. Review status: no assertion criteria provided. Collection method: clinical testing. Allele origin: unknown. Affected: yes. Study: The Canadian Open Genetics Repository (COGR). Not counted in ClinVar's aggregate classification.
Comment: The p.Gly911Gly variant has been identified in 12 out of 8424 proband chromosomes (frequency 0.001) in individuals with sporadic and familial breast and ovarian cancer phenotype; and was absent in 48 control chromosomes included in these studies (Judkins 2005, van der Hout 2006, Uhrhammer 2008, Caux-Moncoutier 2009, Borg 2010). It is listed in dbSNP databaseâ€šÃ„Ã¹ (ID#: rs1800740) while no information was provided, however, in the exome server it is found in 5/8595 (frequency 0.0006) in European and 1/4405 (frequency 0.0003) in African populations, suggesting that this is a benign variant. In addition, in the UMD database, this variant has been identified in 2 (out of 43) individuals with breast or ovarian cancers, where a second pathogenic BRCA1 or BRCA2 mutation was also detected, further suggesting that this is a benign variant. This variant is not expected to have clinical significance because it does not alter an amino acid residue, is not located near a splice junction. In addition, in-silico or computational prediction software (SpliceSiteFinder, MaxEntScan, NNSPLICE, GeneSplicer, HumanSpliceFinder) predicts no change in the splice site prediction score. In summary, based on above information this variant is classified as Benign

Joint Genome Diagnostic Labs from Nijmegen and Maastricht, Radboudumc and MUMC+
Classification: Likely benign. Review status: no assertion criteria provided. Collection method: clinical testing. Allele origin: germline. Affected: yes. Study: VKGL Data-share Consensus. Not counted in ClinVar's aggregate classification.

Literature cited by the submitters: DOI 10.3389/fgene.2022.834265 (cited by National Health Laboratory Service, Universitas Academic Hospital and University of the Free State); PubMed 22711857 (cited by Illumina Laboratory Services, Illumina and Counsyl); PubMed 22684231 (cited by Illumina Laboratory Services, Illumina and Counsyl); PubMed 18060494 (cited by Illumina Laboratory Services, Illumina); PubMed 18645608 (cited by Illumina Laboratory Services, Illumina and Counsyl); PubMed 20104584 (cited by Illumina Laboratory Services, Illumina and Counsyl); PubMed 24372583 (cited by Illumina Laboratory Services, Illumina); PubMed 22425665 (cited by Illumina Laboratory Services, Illumina and Counsyl); PubMed 21120943 (cited by Counsyl); PubMed 12845657 (cited by Counsyl).